The following is an entry in ClinVar:

ClinVar aggregate classification (germline): Benign. Review status: criteria provided, multiple submitters, no conflicts (2 of 4 stars). 6 submissions from 6 submitters: Benign (3). 3 of the submissions do not count toward it. Last evaluated 2026-01-28.

Conditions:
TBXAS1-related disorder. Also called: TBXAS1-related condition.

Allele frequency attached by ClinVar (database versions not stated): gnomAD 0.00805 and 0.00853; 1000 Genomes Project 30x 0.01249; gnomAD exomes 0.00214 and 0.00079; TOPMed 0.00903; 1000 Genomes Project 0.01158; ExAC 0.00275; ESP Exome Variant Server 0.00946.
gnomAD v4.1: 2,443 of 1,613,464 alleles (0.15%); highest among the groups gnomAD compares: African/African-American, 2.9%; 44 homozygotes.

Submissions (6):

Labcorp Genetics (formerly Invitae), Labcorp
Classification: Benign. Last evaluated: 2026-01-28. Review status: criteria provided, single submitter. Criteria: Invitae Variant Classification Sherloc (09022015). Collection method: clinical testing. Allele origin: germline.

Mayo Clinic Laboratories, Mayo Clinic
Classification: Benign. Last evaluated: 2024-10-22. Review status: criteria provided, single submitter. Criteria: ACMG Guidelines, 2015. Collection method: clinical testing. Allele origin: germline. Observed: 2 variant alleles.
Comment: BS1, BS2, BP4

Breakthrough Genomics
Classification: Benign. Review status: criteria provided, single submitter. Criteria: ACMG Guidelines, 2015. Collection method: not provided. Allele origin: germline. Inheritance: Autosomal recessive inheritance. Affected: yes.

PreventionGenetics, part of Exact Sciences
Classification: Benign for TBXAS1-related condition. Last evaluated: 2020-01-03. Review status: no assertion criteria provided. Collection method: clinical testing. Allele origin: germline. Not counted in ClinVar's aggregate classification.
Comment: This variant is classified as benign based on ACMG/AMP sequence variant interpretation guidelines (Richards et al. 2015 PMID: 25741868, with internal and published modifications).

Genome Diagnostics Laboratory, University Medical Center Utrecht
Classification: Likely benign. Review status: no assertion criteria provided. Collection method: clinical testing. Allele origin: germline. Affected: yes. Study: VKGL Data-share Consensus. Not counted in ClinVar's aggregate classification.

Laboratory of Diagnostic Genome Analysis, Leiden University Medical Center (LUMC)
Classification: Likely benign. Review status: no assertion criteria provided. Collection method: clinical testing. Allele origin: germline. Affected: yes. Study: VKGL Data-share Consensus. Not counted in ClinVar's aggregate classification.

NM_001061.7(TBXAS1):c.1246C>G (p.Gln416Glu)

Gene: TBXAS1 (thromboxane A synthase 1; plus strand). Cytogenetic location: 7q34.
Variant type: single nucleotide variant.
Coding change: c.1246C>G on transcript NM_001061.7 (MANE Select); coding-DNA position 1246, C replaced by G.
Protein change: p.Gln416Glu; replaces glutamine 416 with glutamic acid.
Molecular consequence: missense variant.
Genome position (GRCh38, 1-based): chr7:140,015,742, C>G. VCF-style: chr7-140015742-C-G. GRCh37 (hg19) VCF-style: chr7-139715542-C-G.
Other names: p.Gln462Glu; c.1246C>G, p.Gln416Glu (NM_001130966.5, NM_030984.6); c.1384C>G, p.Gln462Glu (NM_001166253.4); c.1045C>G, p.Gln349Glu (NM_001166254.4); c.1189C>G, p.Gln397Glu (NM_001314028.4); c.1063C>G, p.Gln355Glu (NM_001366537.3); c.1384C>G (NM_001166253.3); short protein forms Q355E, Q462E, Q349E, Q397E, Q416E.
Identifiers: ClinVar variation 768205 (VCV000768205.15), dbSNP rs4528, ClinGen allele CA4511963.